The following is an entry in ClinVar:

ClinVar aggregate classification (germline): Likely benign (0 of 4 stars; one submission).

Conditions:
CNTNAP5-related disorder. Also called: CNTNAP5-related condition.

Allele frequency attached by ClinVar (database versions not stated): gnomAD 0.00005; TOPMed 0.00006; gnomAD exomes 0.00008; ExAC 0.00010.
gnomAD v4.1: 127 of 1,612,680 alleles (0.0079%); highest among the groups gnomAD compares: Middle Eastern, 0.017%; no homozygotes.

Submission:

PreventionGenetics, part of Exact Sciences
Classification: Likely benign for CNTNAP5-related condition. Last evaluated: 2019-05-28. Review status: no assertion criteria provided. Collection method: clinical testing. Allele origin: germline.
Comment: This variant is classified as likely benign based on ACMG/AMP sequence variant interpretation guidelines (Richards et al. 2015 PMID: 25741868, with internal and published modifications).

NM_001367498.1(CNTNAP5):c.1485C>T (p.Pro495=)

Gene: CNTNAP5 (contactin associated protein family member 5; plus strand). Cytogenetic location: 2q14.3.
Variant type: single nucleotide variant.
Coding change: c.1485C>T on transcript NM_001367498.1 (MANE Select); coding-DNA position 1485, C replaced by T.
Protein change: p.Pro495=; no amino-acid change (proline 495 retained).
Molecular consequence: synonymous variant.
Genome position (GRCh38, 1-based): chr2:124,527,292, C>T. VCF-style: chr2-124527292-C-T. GRCh37 (hg19) VCF-style: chr2-125284869-C-T.
Other names: c.1482C>T, p.Pro494= (NM_130773.4).
Identifiers: ClinVar variation 3044645 (VCV003044645.2), dbSNP rs749556691, ClinGen allele CA1855890.